The following is an entry in ClinVar:

NM_147127.5(EVC2):c.1939_1945del (p.Thr647fs)

Gene: EVC2 (EvC ciliary complex subunit 2; minus strand). Cytogenetic location: 4p16.2.
Variant type: Deletion.
Coding change: c.1939_1945del on transcript NM_147127.5 (MANE Select); coding-DNA positions 1939 to 1945, 7 bases deleted (ACAGAAG; older notation c.1939_1945delACAGAAG).
Protein change: p.Thr647fs; shifts the reading frame from threonine 647.
Molecular consequence: frameshift variant.
Genome position (GRCh38, 1-based): chr4:5,625,850-5,625,856, CTTCTGT deleted on the plus strand (ACAGAAG on the coding strand, the reverse complement: EVC2 is on the minus strand); deleting any 7 consecutive bases within chr4:5,625,850-5,625,858 gives the same sequence; the c. name uses the placement nearest the transcript's 3' end. VCF-style (leftmost placement, unchanged base first): chr4-5625849-ACTTCTGT-A. GRCh37 (hg19) VCF-style: chr4-5627576-ACTTCTGT-A.
Other names: c.1699_1705del, p.Thr567fs (NM_001166136.2); short protein forms T567fs, T647fs.
Identifiers: ClinVar variation 2953093 (VCV002953093.4), dbSNP rs2475386039, ClinGen allele CA2740091121.

ClinVar aggregate classification (germline): Pathogenic. Review status: criteria provided, multiple submitters, no conflicts (2 of 4 stars). 2 submissions from 2 submitters: Pathogenic (2). Last evaluated 2024-10-11.

Conditions:
Ellis-van Creveld syndrome (EVC). Also called: MESOECTODERMAL DYSPLASIA; Chondroectodermal dysplasia. Identifiers: Orphanet 289, MedGen C0013903, MONDO:0009162, OMIM 225500.
Curry-Hall syndrome (WAD). Also called: WEYERS ACRODENTAL DYSOSTOSIS. Identifiers: Orphanet 952, MedGen C0457013, MONDO:0008673, OMIM 193530.

Submissions (2):

Myriad Genetics, Inc.
Classification: Pathogenic for Ellis-van Creveld syndrome. Last evaluated: 2024-10-11. Review status: criteria provided, single submitter. Criteria: Myriad Autosomal Dominant, Autosomal Recessive and X-Linked Classification Criteria (2023). Collection method: clinical testing. Allele origin: unknown.
Comment: NM_147127.4(EVC2):c.1939_1945del7(T647Sfs*12) is expected to be pathogenic in the context of EVC2-related Ellis-van Creveld syndrome. This variant is predicted to lead to an abnormal or absent protein product due to the creation of a premature termination codon in EVC2, a gene where loss-of-function variants are known to be pathogenic. Please note: this variant was assessed in the context of healthy population screening.

Labcorp Genetics (formerly Invitae), Labcorp
Classification: Pathogenic for Curry-Hall syndrome; Ellis-van Creveld syndrome. Last evaluated: 2023-10-20. Review status: criteria provided, single submitter. Criteria: Invitae Variant Classification Sherloc (09022015). Collection method: clinical testing. Allele origin: germline.
Comment: This sequence change creates a premature translational stop signal (p.Thr647Serfs*12) in the EVC2 gene. It is expected to result in an absent or disrupted protein product. Loss-of-function variants in EVC2 are known to be pathogenic (PMID: 17024374, 19810119, 19876929). This variant is not present in population databases (gnomAD no frequency). This variant has not been reported in the literature in individuals affected with EVC2-related conditions. For these reasons, this variant has been classified as Pathogenic.

Literature cited by the submitters: PubMed 17024374 (cited by Labcorp Genetics (formerly Invitae), Labcorp); PubMed 19810119 (cited by Labcorp Genetics (formerly Invitae), Labcorp); PubMed 19876929 (cited by Labcorp Genetics (formerly Invitae), Labcorp).